The following is an entry in ClinVar:

ClinVar aggregate classification (germline): Uncertain significance (1 of 4 stars; one submission).

Conditions:
Arrhythmogenic right ventricular dysplasia 8 (ARVD8). Also called: ARRHYTHMOGENIC RIGHT VENTRICULAR CARDIOMYOPATHY 8; Arrhythmogenic Right Ventricular Dysplasia/Cardiomyopathy 8; ARRHYTHMOGENIC RIGHT VENTRICULAR DYSPLASIA, FAMILIAL, 8. Identifiers: MedGen C1843896, MONDO:0011831, OMIM 607450.
Arrhythmogenic cardiomyopathy with wooly hair and keratoderma. Also called: PALMOPLANTAR KERATODERMA WITH LEFT VENTRICULAR CARDIOMYOPATHY AND WOOLLY HAIR; Arrhythmogenic cardiomyopathy with woolly hair and keratoderma; Carvajal syndrome; Dilated cardiomyopathy with woolly hair and keratoderma. Identifiers: Orphanet 65282, MedGen C1854063, MONDO:0011581, OMIM 605676.

Submission:

Labcorp Genetics (formerly Invitae), Labcorp
Classification: Uncertain significance for Arrhythmogenic cardiomyopathy with wooly hair and keratoderma; Arrhythmogenic right ventricular dysplasia 8. Last evaluated: 2022-06-03. Review status: criteria provided, single submitter. Criteria: Invitae Variant Classification Sherloc (09022015). Collection method: clinical testing. Allele origin: germline.
Comment: This sequence change replaces arginine, which is basic and polar, with threonine, which is neutral and polar, at codon 1828 of the DSP protein (p.Arg1828Thr). This variant is not present in population databases (gnomAD no frequency). This variant has not been reported in the literature in individuals affected with DSP-related conditions. Algorithms developed to predict the effect of missense changes on protein structure and function (SIFT, PolyPhen-2, Align-GVGD) all suggest that this variant is likely to be disruptive. In summary, the available evidence is currently insufficient to determine the role of this variant in disease. Therefore, it has been classified as a Variant of Uncertain Significance.

NM_004415.4(DSP):c.5483G>C (p.Arg1828Thr)

Gene: DSP (desmoplakin; plus strand). Cytogenetic location: 6p24.3.
Variant type: single nucleotide variant.
Coding change: c.5483G>C on transcript NM_004415.4 (MANE Select); coding-DNA position 5483, G replaced by C.
Protein change: p.Arg1828Thr; replaces arginine 1828 with threonine.
Molecular consequence: missense variant.
Genome position (GRCh38, 1-based): chr6:7,582,745, G>C. VCF-style: chr6-7582745-G-C. GRCh37 (hg19) VCF-style: chr6-7582978-G-C.
Other names: c.3686G>C, p.Arg1229Thr (NM_001008844.3); c.4154G>C, p.Arg1385Thr (NM_001319034.2); short protein forms R1229T, R1385T, R1828T.
Identifiers: ClinVar variation 2002133 (VCV002002133.4), dbSNP rs2533936116, ClinGen allele CA362688725.
Genomic context (GRCh38, chr6:7,582,745, plus strand): 5'-TGGTACAGGAAAGAGAGAGCCTTCTGGTGAAAATCAAAGTCCTGGAGCAAGACAAGGCAA[G>C]GCTGCAGAGGCTGGAGGATGAGCTGAATCGTGCAAAATCAACTCTAGAGGCAGAAACCAG-3'
Protein context (NP_004406.2, residues 1818-1838): KIKVLEQDKA[Arg1828Thr]LQRLEDELNR